The following is an entry in ClinVar:

ClinVar aggregate classification (germline): Benign/Likely benign. Review status: criteria provided, multiple submitters, no conflicts (2 of 4 stars). 3 submissions from 3 submitters: Benign (1); Likely benign (1). 1 of the submissions does not count toward it. Last evaluated 2025-11-14.

Conditions:
ATP1A1-related disorder. Also called: ATP1A1-related condition.

Allele frequency attached by ClinVar (database versions not stated): gnomAD 0.00019 and 0.00028; gnomAD exomes 0.00023 and 0.00064; TOPMed 0.00034; 1000 Genomes Project 30x 0.00078; ExAC 0.00079; 1000 Genomes Project 0.00100.
gnomAD v4.1: 370 of 1,614,100 alleles (0.023%); highest among the groups gnomAD compares: East Asian, 0.79%; no homozygotes.

Submissions (3):

Labcorp Genetics (formerly Invitae), Labcorp
Classification: Benign. Last evaluated: 2025-11-14. Review status: criteria provided, single submitter. Criteria: Invitae Variant Classification Sherloc (09022015). Collection method: clinical testing. Allele origin: germline.

CeGaT Center for Human Genetics Tuebingen
Classification: Likely benign. Last evaluated: 2025-08-01. Review status: criteria provided, single submitter. Criteria: CeGaT Center For Human Genetics Tuebingen Variant Classification Criteria Version 2. Collection method: clinical testing. Allele origin: germline. Affected: yes. Observed: 3 variant alleles.
Comment: ATP1A1: BP4, BP7

PreventionGenetics, part of Exact Sciences
Classification: Benign for ATP1A1-related condition. Last evaluated: 2019-09-11. Review status: no assertion criteria provided. Collection method: clinical testing. Allele origin: germline. Not counted in ClinVar's aggregate classification.
Comment: This variant is classified as benign based on ACMG/AMP sequence variant interpretation guidelines (Richards et al. 2015 PMID: 25741868, with internal and published modifications).

NM_000701.8(ATP1A1):c.2475G>A (p.Glu825=)

Genes: ATP1A1-AS1 (ATP1A1 antisense RNA 1; minus strand), ATP1A1 (ATPase Na+/K+ transporting subunit alpha 1; plus strand). Cytogenetic location: 1p13.1.
Variant type: single nucleotide variant.
Coding change: c.2475G>A on transcript NM_000701.8 (MANE Select); coding-DNA position 2475, G replaced by A.
Protein change: p.Glu825=; no amino-acid change (glutamic acid 825 retained).
Molecular consequence: synonymous variant.
Genome position (GRCh38, 1-based): chr1:116,399,446, G>A. VCF-style: chr1-116399446-G-A. GRCh37 (hg19) VCF-style: chr1-116942068-G-A.
Other names: c.2475G>A, p.Glu825= (NM_001160233.2); c.2382G>A, p.Glu794= (NM_001160234.2); c.2475G>A (NM_000701.7).
Identifiers: ClinVar variation 1538713 (VCV001538713.32), dbSNP rs145603535, ClinGen allele CA1025561.
Genomic context (GRCh38, chr1:116,399,446, plus strand): 5'-AGTAACTAAATTCCTTCTCCCCACCCCTTCCCAGGTTCCTGCCATCTCCCTGGCTTATGA[G>A]CAGGCTGAGAGTGACATCATGAAGAGACAGCCCAGAAATCCCAAAACAGACAAACTTGTG-3'
Protein context (NP_000692.2, residues 815-835): DMVPAISLAY[Glu825=]QAESDIMKRQ